The following is an entry in ClinVar:

ClinVar aggregate classification (germline): Uncertain significance (1 of 4 stars; one submission).

gnomAD v4.1: 12 of 1,535,968 alleles (0.00078%); highest among the groups gnomAD compares: African/African-American, 0.0027%; no homozygotes.

Submission:

Labcorp Genetics (formerly Invitae), Labcorp
Classification: Uncertain significance. Last evaluated: 2025-08-05. Review status: criteria provided, single submitter. Criteria: Invitae Variant Classification Sherloc (09022015). Collection method: clinical testing. Allele origin: germline.
Comment: This sequence change replaces proline, which is neutral and non-polar, with leucine, which is neutral and non-polar, at codon 255 of the WBP2 protein (p.Pro255Leu). The frequency data for this variant in the population databases is considered unreliable, as metrics indicate poor data quality at this position in the gnomAD database. This variant has not been reported in the literature in individuals affected with WBP2-related conditions. An algorithm developed to predict the effect of missense changes on protein structure and function (PolyPhen-2) suggests that this variant is likely to be disruptive. In summary, the available evidence is currently insufficient to determine the role of this variant in disease. Therefore, it has been classified as a Variant of Uncertain Significance.

NM_012478.4(WBP2):c.764C>T (p.Pro255Leu)

Gene: WBP2 (WW domain binding protein 2; minus strand). Cytogenetic location: 17q25.1.
Variant type: single nucleotide variant.
Coding change: c.764C>T on transcript NM_012478.4 (MANE Select); coding-DNA position 764, C replaced by T.
Protein change: p.Pro255Leu; replaces proline 255 with leucine.
Molecular consequence: missense variant.
Genome position (GRCh38, 1-based): chr17:75,846,756, G>A on the plus strand (C>T on the coding strand, the complement: WBP2 is on the minus strand). VCF-style: chr17-75846756-G-A. GRCh37 (hg19) VCF-style: chr17-73842837-G-A.
Other names: c.629C>T, p.Pro210Leu (NM_001330499.2); c.764C>T, p.Pro255Leu (NM_001348170.1); short protein forms P210L, P255L.
Identifiers: ClinVar variation 4775088 (VCV004775088.1).